The following is an entry in ClinVar:

NM_018131.5(CEP55):c.961G>A (p.Glu321Lys)

Gene: CEP55 (centrosomal protein 55; plus strand). Cytogenetic location: 10q23.33.
Variant type: single nucleotide variant.
Coding change: c.961G>A on transcript NM_018131.5 (MANE Select); coding-DNA position 961, G replaced by A.
Protein change: p.Glu321Lys; replaces glutamic acid 321 with lysine.
Molecular consequence: missense variant.
Genome position (GRCh38, 1-based): chr10:93,517,216, G>A. VCF-style: chr10-93517216-G-A. GRCh37 (hg19) VCF-style: chr10-95276973-G-A.
Other names: c.961G>A, p.Glu321Lys (NM_001127182.2); c.961G>A (NM_001127182.1); short protein forms E321K.
Identifiers: ClinVar variation 1562073 (VCV001562073.10), dbSNP rs146992036, ClinGen allele CA5609028.
Genomic context (GRCh38, chr10:93,517,216, plus strand): 5'-ACAGAGAAGATACAAAAACTCAGGGAAGAGAATGATATTGCTAGGGGAAAACTTGAAGAA[G>A]AGAAGAAGAGATCCGAAGAGCTCTTATCTCAGGTAAACTTAACCAGATCCATAATTCAGA-3'
Protein context (NP_060601.4, residues 311-331): NDIARGKLEE[Glu321Lys]KKRSEELLSQ

ClinVar aggregate classification (germline): Likely benign. Review status: criteria provided, single submitter (1 of 4 stars). 2 submissions from 2 submitters: Likely benign (1). 1 of the submissions does not count toward it. Last evaluated 2024-09-29.

Conditions:
CEP55-related disorder. Also called: CEP55-related condition.

Allele frequency attached by ClinVar (database versions not stated): 1000 Genomes Project 30x 0.00016; 1000 Genomes Project 0.00020; gnomAD 0.00116 and 0.00120; ESP Exome Variant Server 0.00169.
gnomAD v4.1: 2,900 of 1,606,910 alleles (0.18%); highest among the groups gnomAD compares: Non-Finnish European, 0.22%; 4 homozygotes.

Submissions (2):

Labcorp Genetics (formerly Invitae), Labcorp
Classification: Likely benign. Last evaluated: 2024-09-29. Review status: criteria provided, single submitter. Criteria: Invitae Variant Classification Sherloc (09022015). Collection method: clinical testing. Allele origin: germline.

PreventionGenetics, part of Exact Sciences
Classification: Likely benign for CEP55-related condition. Last evaluated: 2023-02-02. Review status: no assertion criteria provided. Collection method: clinical testing. Allele origin: germline. Not counted in ClinVar's aggregate classification.
Comment: This variant is classified as likely benign based on ACMG/AMP sequence variant interpretation guidelines (Richards et al. 2015 PMID: 25741868, with internal and published modifications).